The following is an entry in ClinVar:

NM_014679.5(CEP57):c.1349G>A (p.Ser450Asn)

Gene: CEP57 (centrosomal protein 57; plus strand). Cytogenetic location: 11q21.
Variant type: single nucleotide variant.
Coding change: c.1349G>A on transcript NM_014679.5 (MANE Select); coding-DNA position 1349, G replaced by A.
Protein change: p.Ser450Asn; replaces serine 450 with asparagine.
Molecular consequence: missense variant.
Genome position (GRCh38, 1-based): chr11:95,831,102, G>A. VCF-style: chr11-95831102-G-A. GRCh37 (hg19) VCF-style: chr11-95564266-G-A.
Other names: c.1322G>A, p.Ser441Asn (NM_001243776.2); c.1271G>A, p.Ser424Asn (NM_001243777.2); c.1268G>A, p.Ser423Asn (NM_001363604.2, NM_001440869.1, NM_001440870.1); c.1124G>A, p.Ser375Asn (NM_001440879.1); c.1088G>A, p.Ser363Asn (NM_001440880.1); c.1052G>A, p.Ser351Asn (NM_001440881.1); c.1046G>A, p.Ser349Asn (NM_001440882.1); c.1241G>A, p.Ser414Asn (NM_001440871.1); and 6 more; short protein forms S388N, S423N, S349N, S384N, S351N, S375N, S385N, S441N.
Identifiers: ClinVar variation 4613638 (VCV004613638.1).

ClinVar aggregate classification (germline): Uncertain significance (1 of 4 stars; one submission).

Conditions:
Inborn genetic diseases. Identifiers: MedGen C0950123, MeSH D030342.

Submission:

Ambry Genetics
Classification: Uncertain significance for Inborn genetic diseases. Last evaluated: 2025-11-10. Review status: criteria provided, single submitter. Criteria: Ambry Variant Classification Scheme 2023. Collection method: clinical testing. Allele origin: germline.
Comment: The p.S450N variant (also known as c.1349G>A), located in coding exon 11 of the CEP57 gene, results from a G to A substitution at nucleotide position 1349. The serine at codon 450 is replaced by asparagine, an amino acid with highly similar properties. This amino acid position is conserved. In addition, this alteration is predicted to be tolerated by in silico analysis. Based on the available evidence, the clinical significance of this variant remains unclear.